The following is an entry in ClinVar:

NM_004994.3(MMP9):c.359A>G (p.Asn120Ser)

Gene: MMP9 (matrix metallopeptidase 9; plus strand). Cytogenetic location: 20q13.12.
Variant type: single nucleotide variant.
Coding change: c.359A>G on transcript NM_004994.3 (MANE Select); coding-DNA position 359, A replaced by G.
Protein change: p.Asn120Ser; replaces asparagine 120 with serine.
Molecular consequence: missense variant.
Genome position (GRCh38, 1-based): chr20:46,010,086, A>G. VCF-style: chr20-46010086-A-G. GRCh37 (hg19) VCF-style: chr20-44638725-A-G.
Other names: short protein forms N120S.
Identifiers: ClinVar variation 2883512 (VCV002883512.3), dbSNP rs1173991915, ClinGen allele CA409212404.

ClinVar aggregate classification (germline): Uncertain significance (1 of 4 stars; one submission).

Allele frequency attached by ClinVar (database versions not stated): gnomAD exomes below 0.00001; TOPMed below 0.00001; gnomAD 0.00001.
gnomAD v4.1: 6 of 1,545,154 alleles (0.00039%); highest among the groups gnomAD compares: East Asian, 0.0049%; no homozygotes.

Submission:

Labcorp Genetics (formerly Invitae), Labcorp
Classification: Uncertain significance. Last evaluated: 2024-10-10. Review status: criteria provided, single submitter. Criteria: Invitae Variant Classification Sherloc (09022015). Collection method: clinical testing. Allele origin: germline.
Comment: This sequence change replaces asparagine, which is neutral and polar, with serine, which is neutral and polar, at codon 120 of the MMP9 protein (p.Asn120Ser). This variant is present in population databases (no rsID available, gnomAD 0.01%). This variant has not been reported in the literature in individuals affected with MMP9-related conditions. Invitae Evidence Modeling of protein sequence and biophysical properties (such as structural, functional, and spatial information, amino acid conservation, physicochemical variation, residue mobility, and thermodynamic stability) indicates that this missense variant is not expected to disrupt MMP9 protein function with a negative predictive value of 80%. Experimental studies have shown that this missense change affects MMP9 function (PMID: 26207422). In summary, the available evidence is currently insufficient to determine the role of this variant in disease. Therefore, it has been classified as a Variant of Uncertain Significance.

Literature cited by the submitters: PubMed 26207422.